The following is an entry in ClinVar:

ClinVar aggregate classification (germline): Uncertain significance. Review status: criteria provided, multiple submitters, no conflicts (2 of 4 stars). 2 submissions from 2 submitters: Uncertain significance (2). Last evaluated 2025-08-24.

Allele frequency attached by ClinVar (database versions not stated): gnomAD exomes 0.00001; gnomAD 0.00003; ExAC 0.00004; TOPMed 0.00004; ESP Exome Variant Server 0.00008.
gnomAD v4.1: 24 of 1,613,882 alleles (0.0015%); highest among the groups gnomAD compares: Admixed American, 0.01%; no homozygotes.

Submissions (2):

Ambry Genetics
Classification: Uncertain significance. Last evaluated: 2025-08-24. Review status: criteria provided, single submitter. Criteria: Ambry Variant Classification Scheme 2023. Collection method: clinical testing. Allele origin: germline.

Labcorp Genetics (formerly Invitae), Labcorp
Classification: Uncertain significance. Last evaluated: 2024-12-16. Review status: criteria provided, single submitter. Criteria: Invitae Variant Classification Sherloc (09022015). Collection method: clinical testing. Allele origin: germline.
Comment: This sequence change replaces alanine, which is neutral and non-polar, with valine, which is neutral and non-polar, at codon 453 of the CCDC50 protein (p.Ala453Val). This variant is present in population databases (rs372154907, gnomAD 0.01%). This variant has not been reported in the literature in individuals affected with CCDC50-related conditions. ClinVar contains an entry for this variant (Variation ID: 2539538). An algorithm developed to predict the effect of missense changes on protein structure and function outputs the following: PolyPhen-2: "Benign". The valine amino acid residue is found in multiple mammalian species, which suggests that this missense change does not adversely affect protein function. In summary, the available evidence is currently insufficient to determine the role of this variant in disease. Therefore, it has been classified as a Variant of Uncertain Significance.

NM_178335.3(CCDC50):c.1358C>T (p.Ala453Val)

Gene: CCDC50 (coiled-coil domain containing 50; plus strand). Cytogenetic location: 3q28.
Variant type: single nucleotide variant.
Coding change: c.1358C>T on transcript NM_178335.3 (MANE Select); coding-DNA position 1358, C replaced by T.
Protein change: p.Ala453Val; replaces alanine 453 with valine.
Molecular consequence: missense variant.
Genome position (GRCh38, 1-based): chr3:191,389,531, C>T. VCF-style: chr3-191389531-C-T. GRCh37 (hg19) VCF-style: chr3-191107320-C-T.
Other names: c.830C>T, p.Ala277Val (NM_174908.4); short protein forms A453V, A277V.
Identifiers: ClinVar variation 2539538 (VCV002539538.5), dbSNP rs372154907, ClinGen allele CA2755550.